The following is an entry in ClinVar:

ClinVar aggregate classification (germline): Uncertain significance. Review status: criteria provided, multiple submitters, no conflicts (2 of 4 stars). 3 submissions from 3 submitters: Uncertain significance (3). Last evaluated 2023-09-10.

Conditions:
Autosomal dominant limb-girdle muscular dystrophy type 1D (DNAJB6) (LGMDD1). Also called: MUSCULAR DYSTROPHY, LIMB-GIRDLE, TYPE 1D; MUSCULAR DYSTROPHY, AUTOSOMAL DOMINANT, WITH RIMMED VACUOLES; Autosomal dominant limb-girdle muscular dystrophy type 1D; Muscular dystrophy, limb-girdle, autosomal dominant 1. Identifiers: Orphanet 34516, MedGen C4721885, MONDO:0021018, OMIM 603511.

Allele frequency attached by ClinVar (database versions not stated): TOPMed 0.00004.
gnomAD v4.1: 11 of 1,613,948 alleles (0.00068%); highest among the groups gnomAD compares: Non-Finnish European, 0.00093%; no homozygotes.

Submissions (3):

Labcorp Genetics (formerly Invitae), Labcorp
Classification: Uncertain significance for Autosomal dominant limb-girdle muscular dystrophy type 1D (DNAJB6). Last evaluated: 2023-09-10. Review status: criteria provided, single submitter. Criteria: Invitae Variant Classification Sherloc (09022015). Collection method: clinical testing. Allele origin: germline.
Comment: This sequence change replaces serine, which is neutral and polar, with tryptophan, which is neutral and slightly polar, at codon 316 of the DNAJB6 protein (p.Ser316Trp). This variant is present in population databases (no rsID available, gnomAD 0.002%). In summary, the available evidence is currently insufficient to determine the role of this variant in disease. Therefore, it has been classified as a Variant of Uncertain Significance. Experimental studies have shown that this missense change affects DNAJB6 function (PMID: 27642634). Advanced modeling of protein sequence and biophysical properties (such as structural, functional, and spatial information, amino acid conservation, physicochemical variation, residue mobility, and thermodynamic stability) performed at Invitae indicates that this missense variant is not expected to disrupt DNAJB6 protein function. ClinVar contains an entry for this variant (Variation ID: 282540). This missense change has been observed in individual(s) with dilated cardiomyopathy (DCM) and clinical suspicion of limb-girdle muscular dystrophy (PMID: 27642634, 30564623).

Revvity Omics, Revvity
Classification: Uncertain significance for Autosomal dominant limb-girdle muscular dystrophy type 1D (DNAJB6). Last evaluated: 2019-06-26. Review status: criteria provided, single submitter. Criteria: ACMG Guidelines, 2015. Collection method: clinical testing. Allele origin: germline.

Eurofins Ntd Llc (ga)
Classification: Uncertain significance. Last evaluated: 2017-01-03. Review status: criteria provided, single submitter. Criteria: EGL Classification Definitions 2015. Collection method: clinical testing. Allele origin: germline. Observed: 2 variant alleles, 2 heterozygotes.

Literature cited by the submitters: PubMed 27642634 (cited by Labcorp Genetics (formerly Invitae), Labcorp); PubMed 30564623 (cited by Labcorp Genetics (formerly Invitae), Labcorp).

NM_058246.4(DNAJB6):c.947C>G (p.Ser316Trp)

Gene: DNAJB6 (DnaJ heat shock protein family (Hsp40) member B6; plus strand). Cytogenetic location: 7q36.3.
Variant type: single nucleotide variant.
Coding change: c.947C>G on transcript NM_058246.4 (MANE Select); coding-DNA position 947, C replaced by G.
Protein change: p.Ser316Trp; replaces serine 316 with tryptophan.
Molecular consequence: missense variant.
Genome position (GRCh38, 1-based): chr7:157,416,064, C>G. VCF-style: chr7-157416064-C-G. GRCh37 (hg19) VCF-style: chr7-157208758-C-G.
Other names: c.602C>G, p.Ser201Trp (NM_001363676.1); short protein forms S316W, S201W.
Identifiers: ClinVar variation 282540 (VCV000282540.17), dbSNP rs371304535, ClinGen allele CA10604212.